The following is an entry in ClinVar:

NM_025243.4(SLC19A3):c.183C>G (p.Tyr61Ter)

Gene: SLC19A3 (solute carrier family 19 member 3; minus strand). Cytogenetic location: 2q36.3.
Variant type: single nucleotide variant.
Coding change: c.183C>G on transcript NM_025243.4 (MANE Select); coding-DNA position 183, C replaced by G.
Protein change: p.Tyr61Ter; replaces tyrosine 61 with a stop codon.
Molecular consequence: nonsense.
Genome position (GRCh38, 1-based): chr2:227,699,532, G>C on the plus strand (C>G on the coding strand, the complement: SLC19A3 is on the minus strand). VCF-style: chr2-227699532-G-C. GRCh37 (hg19) VCF-style: chr2-228564248-G-C.
Other names: c.183C>G, p.Tyr61Ter (NM_001371411.1, NM_001371412.1); c.171C>G, p.Tyr57Ter (NM_001371413.1, NM_001371414.1); short protein forms Y57*, Y61*.
Identifiers: ClinVar variation 5013085 (VCV005013085.1).

ClinVar aggregate classification (germline): Pathogenic (1 of 4 stars; one submission).

Conditions:
Biotin-responsive basal ganglia disease (BTBGD). Also called: Thiamine metabolism dysfunction syndrome 2 (biotin- or thiamine-responsive encephalopathy type 2); Thiamine metabolism dysfunction syndrome type 2; Thiamine Transporter-2 Deficiency; thiamine-responsive encephalopathy; THIAMINE METABOLISM DYSFUNCTION SYNDROME 2 (BIOTIN- AND THIAMINE-RESPONSIVE TYPE). Identifiers: Orphanet 199348, Orphanet 65284, MedGen C1843807, MONDO:0011841, OMIM 607483.

Submission:

Myriad Genetics, Inc.
Classification: Pathogenic for Biotin-responsive basal ganglia disease. Last evaluated: 2024-05-21. Review status: criteria provided, single submitter. Criteria: Myriad Autosomal Dominant, Autosomal Recessive and X-Linked Classification Criteria (2023). Collection method: clinical testing. Allele origin: unknown.
Comment: NM_025243.3(SLC19A3):c.183C>G(Y61*) is expected to be pathogenic in the context of biotin-thiamine-responsive basal ganglia disease. This variant is predicted to lead to an abnormal or absent protein product due to the creation of a premature termination codon in SLC19A3, a gene where loss-of-function variants are known to be pathogenic. Please note: this variant was assessed in the context of healthy population screening.